The following is an entry in ClinVar:

NM_007294.4(BRCA1):c.2621A>G (p.Asn874Ser)

Gene: BRCA1 (BRCA1 DNA repair associated; minus strand). Cytogenetic location: 17q21.31.
Variant type: single nucleotide variant.
Coding change: c.2621A>G on transcript NM_007294.4 (MANE Select); coding-DNA position 2621, A replaced by G.
Protein change: p.Asn874Ser; replaces asparagine 874 with serine.
Molecular consequence: missense variant. On other transcripts: intron variant (137).
Genome position (GRCh38, 1-based): chr17:43,092,910, T>C on the plus strand (A>G on the coding strand, the complement: BRCA1 is on the minus strand). VCF-style: chr17-43092910-T-C. GRCh37 (hg19) VCF-style: chr17-41244927-T-C.
Other names: c.2618A>G, p.Asn873Ser (NM_001407614.1, NM_001407615.1, NM_001407633.1 and 22 more transcripts); c.2621A>G, p.Asn874Ser (NM_001407616.1, NM_001407617.1, NM_001407618.1 and 30 more transcripts); c.2543A>G, p.Asn848Ser (NM_001407655.1, NM_001407656.1, NM_001407657.1 and 4 more transcripts); c.2540A>G, p.Asn847Ser (NM_001407659.1, NM_001407660.1, NM_001407661.1 and 1 more transcripts); c.2498A>G, p.Asn833Ser (NM_001407664.1, NM_001407674.1, NM_001407675.1 and 19 more transcripts); c.2480A>G, p.Asn827Ser (NM_001407694.1, NM_001407695.1, NM_001407696.1 and 29 more transcripts); c.2408A>G, p.Asn803Ser (NM_001407853.1, NM_001407894.1, NM_001407895.1 and 9 more transcripts); c.2420A>G, p.Asn807Ser (NM_001407862.1); and 41 more; short protein forms N578S, N706S, N746S, N747S, N762S, N763S, N785S, N786S.
Identifiers: ClinVar variation 4867721 (VCV004867721.1).

ClinVar aggregate classification (germline): Uncertain significance (1 of 4 stars; one submission).

Conditions:
Hereditary cancer-predisposing syndrome. Also called: Neoplastic Syndromes, Hereditary; Tumor predisposition; Hereditary Cancer Syndrome; Hereditary neoplastic syndrome. Identifiers: Orphanet 140162, MedGen C0027672, MeSH D009386, MONDO:0015356.

gnomAD v4.1: 1 of 1,613,902 alleles (0.000062%); highest among the groups gnomAD compares: Non-Finnish European, 0.000085%; no homozygotes.

Submission:

Ambry Genetics
Classification: Uncertain significance for Hereditary cancer-predisposing syndrome. Last evaluated: 2026-04-21. Review status: criteria provided, single submitter. Criteria: Ambry Variant Classification Scheme 2023. Collection method: clinical testing. Allele origin: germline.
Comment: The p.N874S variant (also known as c.2621A>G), located in coding exon 9 of the BRCA1 gene, results from an A to G substitution at nucleotide position 2621. The asparagine at codon 874 is replaced by serine, an amino acid with highly similar properties. This amino acid position is not well conserved in available vertebrate species. In addition, this alteration is predicted to be tolerated by in silico analysis. Based on the available evidence, the clinical significance of this variant remains unclear.